The following is an entry in ClinVar:

NM_033109.5(PNPT1):c.867-3T>C

Gene: PNPT1 (polyribonucleotide nucleotidyltransferase 1; minus strand). Cytogenetic location: 2p16.1.
Variant type: single nucleotide variant.
Coding change: c.867-3T>C on transcript NM_033109.5 (MANE Select); 3 bases into the intron before coding-DNA position 867, T replaced by C.
Molecular consequence: intron variant.
Genome position (GRCh38, 1-based): chr2:55,672,049, A>G on the plus strand (T>C on the coding strand, the complement: PNPT1 is on the minus strand). VCF-style: chr2-55672049-A-G. GRCh37 (hg19) VCF-style: chr2-55899184-A-G.
Identifiers: ClinVar variation 1367399 (VCV001367399.6), dbSNP rs375831342, ClinGen allele CA1668316.
Genomic context (GRCh38, chr2:55,672,049, plus strand): 5'-ACCTACTTTGTCATGCTCGTAATCTGTAAAAACTGCATAGAGTCTCTCCATAGCAAGTCT[A>G]TTTAAGCAGAAAATAAATGTTAGCATAATAATATCTGGAAACAAGAGGCAGTTTCTATTA-3'

ClinVar aggregate classification (germline): Uncertain significance (1 of 4 stars; one submission).

Allele frequency attached by ClinVar (database versions not stated): ExAC 0.00001; gnomAD 0.00001; gnomAD exomes 0.00001; TOPMed 0.00002; ESP Exome Variant Server 0.00008.

Submission:

Labcorp Genetics (formerly Invitae), Labcorp
Classification: Uncertain significance. Last evaluated: 2024-01-22. Review status: criteria provided, single submitter. Criteria: Invitae Variant Classification Sherloc (09022015). Collection method: clinical testing. Allele origin: germline.
Comment: This sequence change falls in intron 9 of the PNPT1 gene. It does not directly change the encoded amino acid sequence of the PNPT1 protein. It affects a nucleotide within the consensus splice site. This variant is present in population databases (rs375831342, gnomAD 0.002%). This variant has not been reported in the literature in individuals affected with PNPT1-related conditions. ClinVar contains an entry for this variant (Variation ID: 1367399). Variants that disrupt the consensus splice site are a relatively common cause of aberrant splicing (PMID: 17576681, 9536098). Algorithms developed to predict the effect of sequence changes on RNA splicing suggest that this variant is not likely to affect RNA splicing. In summary, the available evidence is currently insufficient to determine the role of this variant in disease. Therefore, it has been classified as a Variant of Uncertain Significance.

Literature cited by the submitters: PubMed 17576681; PubMed 9536098.